The following is an entry in ClinVar:

ClinVar aggregate classification (germline): Pathogenic. Review status: criteria provided, multiple submitters, no conflicts (2 of 4 stars). 2 submissions from 2 submitters: Pathogenic (2). Last evaluated 2025-10-21.

Conditions:
Alport syndrome. Also called: Hemorrhagic familial nephritis; Hemorrhagic hereditary nephritis; Congenital hereditary hematuria. Identifiers: Orphanet 63, MedGen C1567741, MONDO:0018965.

Submissions (2):

Natera, Inc.
Classification: Pathogenic for Alport syndrome. Last evaluated: 2025-10-21. Review status: criteria provided, single submitter. Criteria: Natera Variant Classification Schema (03/2026). Collection method: clinical testing. Allele origin: germline.
Comment: The c.2566C>T variant in COL4A4 is a nonsense variant predicted to introduce a stop codon at amino acid 856. This variant is expected to result in nonsense mediated decay, truncation, or a dysfunctional protein product. This variant is rare in the general population with a frequency below the threshold expected for the associated phenotype(s). This variant has been observed in one or more individuals affected with the associated recessive disease, as either homozygous or compound heterozygous with a second variant (PMID: 35369551). Given the available evidence, this variant is classified as Pathogenic.

Myriad Genetics, Inc.
Classification: Pathogenic for Alport syndrome. Last evaluated: 2025-01-13. Review status: criteria provided, single submitter. Criteria: Myriad Autosomal Dominant, Autosomal Recessive and X-Linked Classification Criteria (2023). Collection method: clinical testing. Allele origin: unknown.
Comment: NM_000092.4(COL4A4):c.2566C>T(Q856*) is expected to be pathogenic in the context of Alport syndrome, COL4A4-related. This variant is predicted to lead to an abnormal or absent protein product due to the creation of a premature termination codon in COL4A4, a gene where loss-of-function variants are known to be pathogenic. Please note: this variant was assessed in the context of healthy population screening.

Literature cited by the submitters: PubMed 35369551 (cited by Natera, Inc.).

NM_000092.5(COL4A4):c.2566C>T (p.Gln856Ter)

Gene: COL4A4 (collagen type IV alpha 4 chain; minus strand). Cytogenetic location: 2q36.3.
Variant type: single nucleotide variant.
Coding change: c.2566C>T on transcript NM_000092.5 (MANE Select); coding-DNA position 2566, C replaced by T.
Protein change: p.Gln856Ter; replaces glutamine 856 with a stop codon.
Molecular consequence: nonsense.
Genome position (GRCh38, 1-based): chr2:227,056,095, G>A on the plus strand (C>T on the coding strand, the complement: COL4A4 is on the minus strand). VCF-style: chr2-227056095-G-A. GRCh37 (hg19) VCF-style: chr2-227920811-G-A.
Other names: short protein forms Q856*.
Identifiers: ClinVar variation 4817310 (VCV004817310.2).